The following is an entry in ClinVar:

ClinVar aggregate classification (germline): Uncertain significance (1 of 4 stars; one submission).

Conditions:
Inborn genetic diseases. Identifiers: MedGen C0950123, MeSH D030342.

Submission:

Ambry Genetics
Classification: Uncertain significance for Inborn genetic diseases. Last evaluated: 2025-04-25. Review status: criteria provided, single submitter. Criteria: Ambry Variant Classification Scheme 2023. Collection method: clinical testing. Allele origin: germline.
Comment: The p.I250M variant (also known as c.750C>G), located in coding exon 1 of the SAMD9 gene, results from a C to G substitution at nucleotide position 750. The isoleucine at codon 250 is replaced by methionine, an amino acid with highly similar properties. This amino acid position is conserved. In addition, this alteration is predicted to be tolerated by in silico analysis. Based on the available evidence, the clinical significance of this variant remains unclear.

NM_017654.4(SAMD9):c.750C>G (p.Ile250Met)

Gene: SAMD9 (sterile alpha motif domain containing 9; minus strand). Cytogenetic location: 7q21.2.
Variant type: single nucleotide variant.
Coding change: c.750C>G on transcript NM_017654.4 (MANE Select); coding-DNA position 750, C replaced by G.
Protein change: p.Ile250Met; replaces isoleucine 250 with methionine.
Molecular consequence: missense variant.
Genome position (GRCh38, 1-based): chr7:93,105,348, G>C on the plus strand (C>G on the coding strand, the complement: SAMD9 is on the minus strand). VCF-style: chr7-93105348-G-C. GRCh37 (hg19) VCF-style: chr7-92734661-G-C.
Other names: c.750C>G, p.Ile250Met (NM_001193307.2); short protein forms I250M.
Identifiers: ClinVar variation 3949586 (VCV003949586.1).
Genomic context (GRCh38, chr7:93,105,348, plus strand): 5'-CTTGTTTATCATCAGATTGAAATGGTTAATGAGGGCTTCCTTGGTATCATTGGTGACTTT[G>C]ATGCCAACAATTTTCCCATGGGGTTTGTCTTTGACTCCAAAATGAATAGTGCCATTGGTA-3'
Protein context (NP_060124.2, residues 240-260): KDKPHGKIVG[Ile250Met]KVTNDTKEAL